The following is an entry in ClinVar:

ClinVar aggregate classification (germline): Uncertain significance. Review status: criteria provided, multiple submitters, no conflicts (2 of 4 stars). 2 submissions from 2 submitters: Uncertain significance (2). Last evaluated 2024-02-24.

Conditions:
Inborn genetic diseases. Identifiers: MedGen C0950123, MeSH D030342.

Allele frequency attached by ClinVar (database versions not stated): gnomAD exomes 0.00001; ExAC 0.00002; gnomAD 0.00002; TOPMed 0.00002.

Submissions (2):

Labcorp Genetics (formerly Invitae), Labcorp
Classification: Uncertain significance. Last evaluated: 2024-02-24. Review status: criteria provided, single submitter. Criteria: Invitae Variant Classification Sherloc (09022015). Collection method: clinical testing. Allele origin: germline.
Comment: This sequence change replaces valine, which is neutral and non-polar, with methionine, which is neutral and non-polar, at codon 205 of the FAT1 protein (p.Val205Met). This variant is present in population databases (rs532661370, gnomAD 0.003%). This variant has not been reported in the literature in individuals affected with FAT1-related conditions. ClinVar contains an entry for this variant (Variation ID: 2198714). Advanced modeling of protein sequence and biophysical properties (such as structural, functional, and spatial information, amino acid conservation, physicochemical variation, residue mobility, and thermodynamic stability) performed at Invitae indicates that this missense variant is not expected to disrupt FAT1 protein function with a negative predictive value of 80%. In summary, the available evidence is currently insufficient to determine the role of this variant in disease. Therefore, it has been classified as a Variant of Uncertain Significance.

Ambry Genetics
Classification: Uncertain significance for Inborn genetic diseases. Last evaluated: 2023-02-23. Review status: criteria provided, single submitter. Criteria: Ambry Variant Classification Scheme 2023. Collection method: clinical testing. Allele origin: germline.

NM_005245.4(FAT1):c.613G>A (p.Val205Met)

Gene: FAT1 (FAT atypical cadherin 1; minus strand). Cytogenetic location: 4q35.2.
Variant type: single nucleotide variant.
Coding change: c.613G>A on transcript NM_005245.4 (MANE Select); coding-DNA position 613, G replaced by A.
Protein change: p.Val205Met; replaces valine 205 with methionine.
Molecular consequence: missense variant.
Genome position (GRCh38, 1-based): chr4:186,709,215, C>T on the plus strand (G>A on the coding strand, the complement: FAT1 is on the minus strand). VCF-style: chr4-186709215-C-T. GRCh37 (hg19) VCF-style: chr4-187630369-C-T.
Other names: c.613G>A (NM_005245.3); short protein forms V205M.
Identifiers: ClinVar variation 2198714 (VCV002198714.6), dbSNP rs532661370, ClinGen allele CA3167633.